The following is an entry in ClinVar:

NM_001351132.2(PEX5):c.555T>A (p.Tyr185Ter)

Gene: PEX5 (peroxisomal biogenesis factor 5; plus strand). Cytogenetic location: 12p13.31.
Variant type: single nucleotide variant.
Coding change: c.555T>A on transcript NM_001351132.2 (MANE Select); coding-DNA position 555, T replaced by A.
Protein change: p.Tyr185Ter; replaces tyrosine 185 with a stop codon.
Molecular consequence: nonsense.
Genome position (GRCh38, 1-based): chr12:7,201,754, T>A. VCF-style: chr12-7201754-T-A. GRCh37 (hg19) VCF-style: chr12-7354350-T-A.
Other names: c.555T>A, p.Tyr185Ter (NM_001351130.3, NM_001351131.2, NM_001351133.2 and 19 more transcripts); c.600T>A, p.Tyr200Ter (NM_001351135.3, NM_001351138.2, NM_001131023.2); short protein forms Y185*, Y200*.
Identifiers: ClinVar variation 2769358 (VCV002769358.3), dbSNP rs2540125931, ClinGen allele CA383721114.

ClinVar aggregate classification (germline): Pathogenic (1 of 4 stars; one submission).

Conditions:
Peroxisome biogenesis disorder 2B (PBD2B). Identifiers: Orphanet 44, MedGen C3550234, MONDO:0008736, OMIM 202370.

Submission:

Labcorp Genetics (formerly Invitae), Labcorp
Classification: Pathogenic for Peroxisome biogenesis disorder 2B. Last evaluated: 2023-10-17. Review status: criteria provided, single submitter. Criteria: Invitae Variant Classification Sherloc (09022015). Collection method: clinical testing. Allele origin: germline.
Comment: This sequence change creates a premature translational stop signal (p.Tyr185*) in the PEX5 gene. It is expected to result in an absent or disrupted protein product. Loss-of-function variants in PEX5 are known to be pathogenic (PMID: 18712838, 21031596). This variant is not present in population databases (gnomAD no frequency). This variant has not been reported in the literature in individuals affected with PEX5-related conditions. For these reasons, this variant has been classified as Pathogenic.

Literature cited by the submitters: PubMed 18712838; PubMed 21031596.